The following is an entry in ClinVar:

ClinVar aggregate classification (germline): Uncertain significance. Review status: criteria provided, multiple submitters, no conflicts (2 of 4 stars). 2 submissions from 2 submitters: Uncertain significance (2). Last evaluated 2022-05-28.

Conditions:
Microcephaly-intellectual disability-sensorineural hearing loss-epilepsy-abnormal muscle tone syndrome (NEDHSB). Also called: NEURODEVELOPMENTAL DISORDER WITH HEARING LOSS, SEIZURES, AND BRAIN ABNORMALITIES. Identifiers: Orphanet 457351, MedGen C4225276, MONDO:0014698, OMIM 616577.

Allele frequency attached by ClinVar (database versions not stated): TOPMed 0.00001.

Submissions (2):

Labcorp Genetics (formerly Invitae), Labcorp
Classification: Uncertain significance for Microcephaly-intellectual disability-sensorineural hearing loss-epilepsy-abnormal muscle tone syndrome. Last evaluated: 2022-05-28. Review status: criteria provided, single submitter. Criteria: Invitae Variant Classification Sherloc (09022015). Collection method: clinical testing. Allele origin: germline.
Comment: This sequence change falls in intron 6 of the SPATA5 gene. It does not directly change the encoded amino acid sequence of the SPATA5 protein. It affects a nucleotide within the consensus splice site. This variant is not present in population databases (gnomAD no frequency). This variant has not been reported in the literature in individuals affected with SPATA5-related conditions. ClinVar contains an entry for this variant (Variation ID: 1254507). Variants that disrupt the consensus splice site are a relatively common cause of aberrant splicing (PMID: 17576681, 9536098). Algorithms developed to predict the effect of sequence changes on RNA splicing suggest that this variant may create or strengthen a splice site. In summary, the available evidence is currently insufficient to determine the role of this variant in disease. Therefore, it has been classified as a Variant of Uncertain Significance.

GeneDx
Classification: Uncertain significance. Last evaluated: 2021-08-26. Review status: criteria provided, single submitter. Criteria: GeneDx Variant Classification Process June 2021. Collection method: clinical testing. Allele origin: germline. Affected: yes.
Comment: Not observed in large population cohorts (Lek et al., 2016); Has not been previously published as pathogenic or benign to our knowledge; In silico analysis, which includes splice predictors and evolutionary conservation, suggests this variant may impact gene splicing. In the absence of RNA/functional studies, the actual effect of this sequence change is unknown.

Literature cited by the submitters: PubMed 17576681 (cited by Labcorp Genetics (formerly Invitae), Labcorp); PubMed 9536098 (cited by Labcorp Genetics (formerly Invitae), Labcorp).

NM_145207.3(AFG2A):c.1277+6T>C

Gene: AFG2A (AFG2 AAA ATPase homolog A; plus strand). Cytogenetic location: 4q28.1.
Variant type: single nucleotide variant.
Coding change: c.1277+6T>C on transcript NM_145207.3 (MANE Select); 6 bases into the intron after coding-DNA position 1277, T replaced by C.
Molecular consequence: intron variant.
Genome position (GRCh38, 1-based): chr4:122,935,849, T>C. VCF-style: chr4-122935849-T-C. GRCh37 (hg19) VCF-style: chr4-123857004-T-C.
Other names: c.1274+6T>C (NM_001345856.2, NM_001317799.2).
Identifiers: ClinVar variation 1254507 (VCV001254507.5), dbSNP rs1729049950, ClinGen allele CA1490500112.